The following is an entry in ClinVar:

ClinVar aggregate classification (germline): Conflicting classifications of pathogenicity. Review status: criteria provided, conflicting classifications (1 of 4 stars). 7 submissions from 7 submitters: Uncertain significance (6); Likely benign (1). Last evaluated 2025-09-05.

Conditions:
Inborn genetic diseases. Identifiers: MedGen C0950123, MeSH D030342.
Ehlers-Danlos syndrome, spondylodysplastic type, 3. Also called: Ehlers-Danlos syndrome, spondylocheirodysplastic type. Identifiers: Orphanet 157965, MedGen C2676510, MONDO:0012873, OMIM 612350.

Allele frequency attached by ClinVar (database versions not stated): ExAC 0.00008; gnomAD 0.00012 and 0.00013; ESP Exome Variant Server 0.00015; 1000 Genomes Project 30x 0.00016; gnomAD exomes 0.00016 and 0.00017; 1000 Genomes Project 0.00020; TOPMed 0.00022.

Submissions (7):

Ambry Genetics
Classification: Uncertain significance for Inborn genetic diseases. Last evaluated: 2025-09-05. Review status: criteria provided, single submitter. Criteria: Ambry Variant Classification Scheme 2023. Collection method: clinical testing. Allele origin: germline.

Women's Health and Genetics/Laboratory Corporation of America, LabCorp
Classification: Uncertain significance. Last evaluated: 2025-08-12. Review status: criteria provided, single submitter. Criteria: LabCorp Variant Classification Summary - May 2015. Collection method: clinical testing. Allele origin: germline.
Comment: Variant summary: SLC39A13 c.635G>A (p.Arg212Gln) results in a conservative amino acid change in the encoded protein sequence. Algorithms developed to predict the effect of missense changes on protein structure and function all suggest that this variant is likely to be tolerated. The variant allele was found at a frequency of 0.00016 in 250378 control chromosomes. This frequency is not significantly higher than estimated for a pathogenic variant in SLC39A13 causing Ehlers-Danlos syndrome, spondylocheirodysplastic type (0.00016 vs 0.0011), allowing no conclusion about variant significance. To our knowledge, no occurrence of c.635G>A in individuals affected with Ehlers-Danlos syndrome, spondylocheirodysplastic type and no experimental evidence demonstrating its impact on protein function have been reported. ClinVar contains an entry for this variant (Variation ID: 469535). Based on the evidence outlined above, the variant was classified as uncertain significance.

Mayo Clinic Laboratories, Mayo Clinic
Classification: Uncertain significance. Last evaluated: 2025-05-06. Review status: criteria provided, single submitter. Criteria: ACMG Guidelines, 2015. Collection method: clinical testing. Allele origin: germline. Observed: 3 variant alleles.
Comment: BP4_moderate

Blueprint Genetics
Classification: Likely benign. Last evaluated: 2024-09-04. Review status: criteria provided, single submitter. Criteria: ACMG Guidelines, 2015. Collection method: clinical testing. Allele origin: germline.

GeneDx
Classification: Uncertain significance. Last evaluated: 2024-05-08. Review status: criteria provided, single submitter. Criteria: GeneDx Variant Classification Process June 2021. Collection method: clinical testing. Allele origin: germline. Affected: yes.
Comment: Has not been previously published as pathogenic or benign to our knowledge; In silico analysis indicates that this missense variant does not alter protein structure/function

Labcorp Genetics (formerly Invitae), Labcorp
Classification: Uncertain significance for Ehlers-Danlos syndrome, spondylodysplastic type, 3. Last evaluated: 2022-07-08. Review status: criteria provided, single submitter. Criteria: Invitae Variant Classification Sherloc (09022015). Collection method: clinical testing. Allele origin: germline.
Comment: This sequence change replaces arginine, which is basic and polar, with glutamine, which is neutral and polar, at codon 212 of the SLC39A13 protein (p.Arg212Gln). This variant is present in population databases (rs200490683, gnomAD 0.07%). This variant has not been reported in the literature in individuals affected with SLC39A13-related conditions. ClinVar contains an entry for this variant (Variation ID: 469535). Algorithms developed to predict the effect of missense changes on protein structure and function output the following: SIFT: "Tolerated"; PolyPhen-2: "Benign"; Align-GVGD: "Class C0". The glutamine amino acid residue is found in multiple mammalian species, which suggests that this missense change does not adversely affect protein function. Algorithms developed to predict the effect of sequence changes on RNA splicing suggest that this variant may create or strengthen a splice site. In summary, the available evidence is currently insufficient to determine the role of this variant in disease. Therefore, it has been classified as a Variant of Uncertain Significance.

Fulgent Genetics
Classification: Uncertain significance for Ehlers-Danlos syndrome, spondylodysplastic type, 3. Last evaluated: 2021-07-01. Review status: criteria provided, single submitter. Criteria: ACMG Guidelines, 2015. Collection method: clinical testing. Allele origin: unknown.

NM_001128225.3(SLC39A13):c.635G>A (p.Arg212Gln)

Gene: SLC39A13 (solute carrier family 39 member 13; plus strand). Cytogenetic location: 11p11.2.
Variant type: single nucleotide variant.
Coding change: c.635G>A on transcript NM_001128225.3 (MANE Select); coding-DNA position 635, G replaced by A.
Protein change: p.Arg212Gln; replaces arginine 212 with glutamine.
Molecular consequence: missense variant. On other transcripts: non-coding transcript variant (1).
Genome position (GRCh38, 1-based): chr11:47,413,497, G>A. VCF-style: chr11-47413497-G-A. GRCh37 (hg19) VCF-style: chr11-47435048-G-A.
Other names: c.635G>A, p.Arg212Gln (NM_001330245.2, NM_152264.5); short protein forms R212Q.
Identifiers: ClinVar variation 469535 (VCV000469535.21), dbSNP rs200490683, ClinGen allele CA5975848.